The following is an entry in ClinVar:

NM_002198.3(IRF1):c.717+113C>T

Gene: IRF1 (interferon regulatory factor 1; minus strand). Cytogenetic location: 5q31.1.
Variant type: single nucleotide variant.
Coding change: c.717+113C>T on transcript NM_002198.3 (MANE Select); 113 bases into the intron after coding-DNA position 717, C replaced by T.
Molecular consequence: intron variant.
Genome position (GRCh38, 1-based): chr5:132,485,554, G>A on the plus strand (C>T on the coding strand, the complement: IRF1 is on the minus strand). VCF-style: chr5-132485554-G-A. GRCh37 (hg19) VCF-style: chr5-131821246-G-A.
Other names: c.594+113C>T (NM_001354924.1); c.667+697C>T (NM_001354925.1).
Identifiers: ClinVar variation 2688410 (VCV002688410.2), dbSNP rs10068129, ClinGen allele CA12150435.
Genomic context (GRCh38, chr5:132,485,554, plus strand): 5'-CCCATGGTGGCTTTCCCACCAGTCAAGCCACGTGAATGTGGCACTTGTGGGACAATGCAA[G>A]CAGCCAGGTGACAACAGCAGCTACCCATCCTCTGATTTGGAAGCTTCACTGGTTCTCTCT-3'

ClinVar aggregate classification (germline): Benign (1 of 4 stars; one submission).

Allele frequency attached by ClinVar (database versions not stated): gnomAD exomes 0.34006; gnomAD 0.37938; TOPMed 0.38136; 1000 Genomes Project 30x 0.40287; 1000 Genomes Project 0.40615.
gnomAD v4.1: 299,505 of 862,520 alleles (35%); highest among the groups gnomAD compares: African/African-American, 49%; 53,312 homozygotes.

Submission:

Unidad de Genómica Garrahan, Hospital de Pediatría Garrahan
Classification: Benign. Last evaluated: 2024-01-24. Review status: criteria provided, single submitter. Criteria: ACMG Guidelines, 2015. Collection method: clinical testing. Allele origin: germline. Affected: no. Observed: 46 variant alleles.
Comment: This variant is classified as Benign based on local population frequency. This variant was detected in 52% of patients studied by a panel of primary immunodeficiencies. Number of patients: 46. Only high quality variants are reported.